The following is an entry in ClinVar:

ClinVar aggregate classification (germline): Conflicting classifications of pathogenicity. Review status: criteria provided, conflicting classifications (1 of 4 stars). 6 submissions from 6 submitters: Uncertain significance (1); Likely benign (5). Last evaluated 2025-09-16.

Conditions:
Ehlers-Danlos syndrome, spondylodysplastic type, 3. Also called: Ehlers-Danlos syndrome, spondylocheirodysplastic type. Identifiers: Orphanet 157965, MedGen C2676510, MONDO:0012873, OMIM 612350.
Ehlers-Danlos syndrome (EDS). Identifiers: Orphanet 98249, MedGen C0013720, MONDO:0020066.

Allele frequency attached by ClinVar (database versions not stated): gnomAD exomes 0.00003 and 0.00006; gnomAD 0.00005 and 0.00008; TOPMed 0.00006; ExAC 0.00007.
gnomAD v4.1: 89 of 1,613,946 alleles (0.0055%); highest among the groups gnomAD compares: Non-Finnish European, 0.007%; no homozygotes.

Submissions (6):

Women's Health and Genetics/Laboratory Corporation of America, LabCorp
Classification: Likely benign. Last evaluated: 2025-09-16. Review status: criteria provided, single submitter. Criteria: LabCorp Variant Classification Summary - May 2015. Collection method: clinical testing. Allele origin: germline.

Labcorp Genetics (formerly Invitae), Labcorp
Classification: Likely benign for Ehlers-Danlos syndrome, spondylodysplastic type, 3. Last evaluated: 2025-09-13. Review status: criteria provided, single submitter. Criteria: Invitae Variant Classification Sherloc (09022015). Collection method: clinical testing. Allele origin: germline.

Blueprint Genetics
Classification: Likely benign. Last evaluated: 2023-08-23. Review status: criteria provided, single submitter. Criteria: ACMG Guidelines, 2015. Collection method: clinical testing. Allele origin: germline.

Genome Diagnostics Laboratory, The Hospital for Sick Children
Classification: Uncertain significance for Ehlers-Danlos syndrome. Last evaluated: 2019-06-01. Review status: criteria provided, single submitter. Criteria: ACMG Guidelines, 2015. Collection method: clinical testing. Allele origin: germline.

GeneDx
Classification: Likely benign. Last evaluated: 2017-07-26. Review status: criteria provided, single submitter. Criteria: GeneDx Variant Classification (06012015). Collection method: clinical testing. Allele origin: germline. Affected: yes.
Comment: This variant is considered likely benign or benign based on one or more of the following criteria: it is a conservative change, it occurs at a poorly conserved position in the protein, it is predicted to be benign by multiple in silico algorithms, and/or has population frequency not consistent with disease.

Breakthrough Genomics
Classification: Likely benign. Review status: criteria provided, single submitter. Criteria: ACMG Guidelines, 2015. Collection method: not provided. Allele origin: germline. Inheritance: Autosomal recessive inheritance. Affected: yes.

NM_001128225.3(SLC39A13):c.621C>T (p.Leu207=)

Gene: SLC39A13 (solute carrier family 39 member 13; plus strand). Cytogenetic location: 11p11.2.
Variant type: single nucleotide variant.
Coding change: c.621C>T on transcript NM_001128225.3 (MANE Select); coding-DNA position 621, C replaced by T.
Protein change: p.Leu207=; no amino-acid change (leucine 207 retained).
Molecular consequence: synonymous variant. On other transcripts: non-coding transcript variant (1).
Genome position (GRCh38, 1-based): chr11:47,413,483, C>T. VCF-style: chr11-47413483-C-T. GRCh37 (hg19) VCF-style: chr11-47435034-C-T.
Other names: c.621C>T, p.Leu207= (NM_001330245.2, NM_152264.5).
Identifiers: ClinVar variation 511056 (VCV000511056.16), dbSNP rs775396957, ClinGen allele CA5975843.
Genomic context (GRCh38, chr11:47,413,483, plus strand): 5'-TGCTGCCGCCGCGCTCAATGGAGGCCACTGTCTGGCCCAGCCGGCTGCAGAGCCCGGCCT[C>T]GGTGCCGTGGTCCGGAGCATCAAAGTGAGTGGCCTGCTCAGGGCCCCTGCAGCCGTACTG-3'
Protein context (NP_001121697.2, residues 197-217): CLAQPAAEPG[Leu207=]GAVVRSIKVS